The following is an entry in ClinVar:

NM_002579.3(PALM):c.299G>A (p.Arg100His)

Gene: PALM (paralemmin; plus strand). Cytogenetic location: 19p13.3.
Variant type: single nucleotide variant.
Coding change: c.299G>A on transcript NM_002579.3 (MANE Select); coding-DNA position 299, G replaced by A.
Protein change: p.Arg100His; replaces arginine 100 with histidine.
Molecular consequence: missense variant.
Genome position (GRCh38, 1-based): chr19:731,124, G>A. VCF-style: chr19-731124-G-A. GRCh37 (hg19) VCF-style: chr19-731124-G-A.
Other names: c.299G>A, p.Arg100His (NM_001040134.2); c.299G>A (NM_002579.2); short protein forms R100H.
Identifiers: ClinVar variation 2722866 (VCV002722866.4), dbSNP rs757247313, ClinGen allele CA9022518.

ClinVar aggregate classification (germline): Conflicting classifications of pathogenicity. Review status: criteria provided, conflicting classifications (1 of 4 stars). 2 submissions from 2 submitters: Uncertain significance (1); Likely benign (1). Last evaluated 2025-02-01.

Allele frequency attached by ClinVar (database versions not stated): ExAC 0.00002; gnomAD 0.00005; TOPMed 0.00008.
gnomAD v4.1: 48 of 1,603,600 alleles (0.003%); highest among the groups gnomAD compares: African/African-American, 0.024%; no homozygotes.

Submissions (2):

Ambry Genetics
Classification: Likely benign. Last evaluated: 2025-02-01. Review status: criteria provided, single submitter. Criteria: Ambry Variant Classification Scheme 2023. Collection method: clinical testing. Allele origin: germline.

Labcorp Genetics (formerly Invitae), Labcorp
Classification: Uncertain significance. Last evaluated: 2023-08-04. Review status: criteria provided, single submitter. Criteria: Invitae Variant Classification Sherloc (09022015). Collection method: clinical testing. Allele origin: germline.
Comment: In summary, the available evidence is currently insufficient to determine the role of this variant in disease. Therefore, it has been classified as a Variant of Uncertain Significance. Algorithms developed to predict the effect of missense changes on protein structure and function output the following: SIFT: "Not Available"; PolyPhen-2: "Benign"; Align-GVGD: "Not Available". The histidine amino acid residue is found in multiple mammalian species, which suggests that this missense change does not adversely affect protein function. This variant has not been reported in the literature in individuals affected with PALM-related conditions. The frequency data for this variant in the population databases is considered unreliable, as metrics indicate poor data quality at this position in the gnomAD database. This sequence change replaces arginine, which is basic and polar, with histidine, which is basic and polar, at codon 100 of the PALM protein (p.Arg100His).